The following is an entry in ClinVar:

ClinVar aggregate classification (germline): Uncertain significance (0 of 4 stars; one submission).

Conditions:
MAP3K1-related disorder. Also called: MAP3K1-related condition.

gnomAD v4.1: 11 of 1,613,684 alleles (0.00068%); highest among the groups gnomAD compares: Non-Finnish European, 0.00093%; no homozygotes.

Submission:

PreventionGenetics, part of Exact Sciences
Classification: Uncertain significance for MAP3K1-related condition. Last evaluated: 2024-08-29. Review status: no assertion criteria provided. Collection method: clinical testing. Allele origin: germline.
Comment: The MAP3K1 c.4526G>A variant is predicted to result in the amino acid substitution p.Arg1509His. To our knowledge, this variant has not been reported in the literature. This variant is reported in 0.0031% of alleles in individuals of European (Non-Finnish) descent in gnomAD. At this time, the clinical significance of this variant is uncertain due to the absence of conclusive functional and genetic evidence.

NM_005921.2(MAP3K1):c.4526G>A (p.Arg1509His)

Gene: MAP3K1 (mitogen-activated protein kinase kinase kinase 1; plus strand). Cytogenetic location: 5q11.2.
Variant type: single nucleotide variant.
Coding change: c.4526G>A on transcript NM_005921.2 (MANE Select); coding-DNA position 4526, G replaced by A.
Protein change: p.Arg1509His; replaces arginine 1509 with histidine.
Molecular consequence: missense variant.
Genome position (GRCh38, 1-based): chr5:56,893,667, G>A. VCF-style: chr5-56893667-G-A. GRCh37 (hg19) VCF-style: chr5-56189494-G-A.
Other names: short protein forms R1509H.
Identifiers: ClinVar variation 3355051 (VCV003355051.1).